The following is an entry in ClinVar:

NM_015102.5(NPHP4):c.2611+2_2611+3del

Gene: NPHP4 (nephrocystin 4; minus strand). Cytogenetic location: 1p36.31.
Variant type: Deletion.
Coding change: c.2611+2_2611+3del on transcript NM_015102.5 (MANE Select); the canonical splice donor site of the intron after coding-DNA position 2611 through 3 bases into the intron after coding-DNA position 2611, 2 bases deleted (TG; older notation c.2611+2_2611+3delTG).
Molecular consequence: splice donor variant.
Genome position (GRCh38, 1-based): chr1:5,880,111-5,880,112, CA deleted on the plus strand (TG on the coding strand, the reverse complement: NPHP4 is on the minus strand); deleting any 2 consecutive bases within chr1:5,880,111-5,880,113 gives the same sequence; the c. name uses the placement nearest the transcript's 3' end. VCF-style (leftmost placement, unchanged base first): chr1-5880110-TCA-T. GRCh37 (hg19) VCF-style: chr1-5940170-TCA-T.
Other names: c.1075+2_1075+3del (NM_001291594.2); c.1072+2_1072+3del (NM_001291593.2).
Identifiers: ClinVar variation 1524404 (VCV001524404.6), dbSNP rs2100733763, ClinGen allele CA2573132127.

ClinVar aggregate classification (germline): Likely pathogenic (1 of 4 stars; one submission).

Conditions:
Nephronophthisis. Also called: Juvenile Nephronophthisis. Identifiers: Orphanet 655, MedGen C0687120, MONDO:0019005, HP:0000090.

Submission:

Labcorp Genetics (formerly Invitae), Labcorp
Classification: Likely pathogenic for Nephronophthisis. Last evaluated: 2022-08-16. Review status: criteria provided, single submitter. Criteria: Invitae Variant Classification Sherloc (09022015). Collection method: clinical testing. Allele origin: germline.
Comment: This sequence change affects a splice site in intron 19 of the NPHP4 gene. It is expected to disrupt RNA splicing. Variants that disrupt the donor or acceptor splice site typically lead to a loss of protein function (PMID: 16199547), and loss-of-function variants in NPHP4 are known to be pathogenic (PMID: 12205563, 23559409). This variant is not present in population databases (gnomAD no frequency). In summary, the currently available evidence indicates that the variant is pathogenic, but additional data are needed to prove that conclusively. Therefore, this variant has been classified as Likely Pathogenic. Algorithms developed to predict the effect of sequence changes on RNA splicing suggest that this variant may disrupt the consensus splice site. ClinVar contains an entry for this variant (Variation ID: 1524404). This variant has not been reported in the literature in individuals affected with NPHP4-related conditions.

Literature cited by the submitters: PubMed 16199547; PubMed 12205563; PubMed 23559409.